The following is an entry in ClinVar:

ClinVar aggregate classification (germline): Likely pathogenic (1 of 4 stars; one submission).

Submission:

Labcorp Genetics (formerly Invitae), Labcorp
Classification: Likely pathogenic. Last evaluated: 2022-11-30. Review status: criteria provided, single submitter. Criteria: Invitae Variant Classification Sherloc (09022015). Collection method: clinical testing. Allele origin: germline.
Comment: In summary, the currently available evidence indicates that the variant is pathogenic, but additional data are needed to prove that conclusively. Therefore, this variant has been classified as Likely Pathogenic. Algorithms developed to predict the effect of sequence changes on RNA splicing suggest that this variant may disrupt the consensus splice site. This variant has not been reported in the literature in individuals affected with CACNA1F-related conditions. This variant is not present in population databases (gnomAD no frequency). This sequence change affects a donor splice site in intron 41 of the CACNA1F gene. It is expected to disrupt RNA splicing. Variants that disrupt the donor or acceptor splice site typically lead to a loss of protein function (PMID: 16199547), and loss-of-function variants in CACNA1F are known to be pathogenic (PMID: 9662399, 11281458, 17525176, 22194652, 24124559, 26992781).

Literature cited by the submitters: PubMed 16199547; PubMed 9662399; PubMed 11281458; PubMed 17525176; PubMed 22194652; PubMed 24124559; PubMed 26992781.

NM_001256789.3(CACNA1F):c.4821+1G>A

Genes: CACNA1F (calcium voltage-gated channel subunit alpha1 F; minus strand), LOC126863257 (BRD4-independent group 4 enhancer GRCh37_chrX:49065732-49066931; plus strand). Cytogenetic location: Xp11.23.
Variant type: single nucleotide variant.
Coding change: c.4821+1G>A on transcript NM_001256789.3 (MANE Select); the canonical splice donor site of the intron after coding-DNA position 4821, G replaced by A.
Molecular consequence: splice donor variant.
Genome position (GRCh38, 1-based): chrX:49,209,628, C>T on the plus strand (G>A on the coding strand, the complement: CACNA1F is on the minus strand). VCF-style: chrX-49209628-C-T. GRCh37 (hg19) VCF-style: chrX-49066088-C-T.
Other names: c.4854+1G>A (NM_005183.4); c.4659+1G>A (NM_001256790.3).
Identifiers: ClinVar variation 2817635 (VCV002817635.3), dbSNP rs2520747479, ClinGen allele CA412960144.